The following is an entry in ClinVar:

ClinVar aggregate classification (germline): Uncertain significance (1 of 4 stars; one submission).

Conditions:
Cardiovascular phenotype. Identifiers: MedGen CN230736.

Allele frequency attached by ClinVar (database versions not stated): gnomAD exomes below 0.00001; gnomAD 0.00001; TOPMed 0.00002.
gnomAD v4.1: 8 of 1,580,148 alleles (0.00051%); highest among the groups gnomAD compares: Admixed American, 0.0036%; no homozygotes.

Submission:

Ambry Genetics
Classification: Uncertain significance for Cardiovascular phenotype. Last evaluated: 2020-05-18. Review status: criteria provided, single submitter. Criteria: Ambry Variant Classification Scheme 2023. Collection method: clinical testing. Allele origin: germline.
Comment: The p.I10193T variant (also known as c.30578T>C), located in coding exon 122 of the TTN gene, results from a T to C substitution at nucleotide position 30578. The isoleucine at codon 10193 is replaced by threonine, an amino acid with similar properties. This amino acid position is well conserved in available vertebrate species. In addition, the in silico prediction for this alteration is inconclusive. Since supporting evidence is limited at this time, the clinical significance of this alteration remains unclear.

NM_001267550.2(TTN):c.57773T>C (p.Ile19258Thr)

Genes: TTN (titin; minus strand), TTN-AS1 (TTN antisense RNA 1; plus strand). Cytogenetic location: 2q31.2.
Variant type: single nucleotide variant.
Coding change: c.57773T>C on transcript NM_001267550.2 (MANE Select); coding-DNA position 57773, T replaced by C.
Protein change: p.Ile19258Thr; replaces isoleucine 19258 with threonine.
Molecular consequence: missense variant.
Genome position (GRCh38, 1-based): chr2:178,595,581, A>G on the plus strand (T>C on the coding strand, the complement: TTN is on the minus strand). VCF-style: chr2-178595581-A-G. GRCh37 (hg19) VCF-style: chr2-179460308-A-G.
Other names: c.52850T>C, p.Ile17617Thr (NM_001256850.1); c.30578T>C, p.Ile10193Thr (NM_003319.4); c.50069T>C, p.Ile16690Thr (NM_133378.4); c.30953T>C, p.Ile10318Thr (NM_133432.3); c.31154T>C, p.Ile10385Thr (NM_133437.4); short protein forms I10193T, I10385T, I17617T, I16690T, I10318T, I19258T.
Identifiers: ClinVar variation 1799309 (VCV001799309.2), dbSNP rs1360164741, ClinGen allele CA349514583.